The following is an entry in ClinVar:

ClinVar aggregate classification (germline): Likely benign (1 of 4 stars; one submission).

Allele frequency attached by ClinVar (database versions not stated): gnomAD 0.00001; gnomAD exomes 0.00001; TOPMed 0.00001; ExAC 0.00003; ESP Exome Variant Server 0.00019.
gnomAD v4.1: 11 of 1,203,589 alleles (0.00091%); no homozygotes.

Submission:

CeGaT Center for Human Genetics Tuebingen
Classification: Likely benign. Last evaluated: 2022-12-01. Review status: criteria provided, single submitter. Criteria: CeGaT Center For Human Genetics Tuebingen Variant Classification Criteria Version 2. Collection method: clinical testing. Allele origin: germline. Affected: yes. Observed: 1 variant allele.
Comment: EOLA2: BP4, BP7

NM_001013845.2(EOLA2):c.399C>T (p.Pro133=)

Gene: EOLA2 (endothelium and lymphocyte associated ASCH domain 2; minus strand). Cytogenetic location: Xq28.
Variant type: single nucleotide variant.
Coding change: c.399C>T on transcript NM_001013845.2 (MANE Select); coding-DNA position 399, C replaced by T.
Protein change: p.Pro133=; no amino-acid change (proline 133 retained).
Molecular consequence: synonymous variant.
Genome position (GRCh38, 1-based): chrX:149,932,622, G>A on the plus strand (C>T on the coding strand, the complement: EOLA2 is on the minus strand). VCF-style: chrX-149932622-G-A. GRCh37 (hg19) VCF-style: chrX-149100840-G-A.
Identifiers: ClinVar variation 2661625 (VCV002661625.23), dbSNP rs143937980, ClinGen allele CA10538441.